The following is an entry in ClinVar:

NM_058004.4(PI4KA):c.1893G>A (p.Pro631=)

Gene: PI4KA (phosphatidylinositol 4-kinase alpha; minus strand). Cytogenetic location: 22q11.21.
Variant type: single nucleotide variant.
Coding change: c.1893G>A on transcript NM_058004.4 (MANE Select); coding-DNA position 1893, G replaced by A.
Protein change: p.Pro631=; no amino-acid change (proline 631 retained).
Molecular consequence: synonymous variant.
Genome position (GRCh38, 1-based): chr22:20,799,204, C>T on the plus strand (G>A on the coding strand, the complement: PI4KA is on the minus strand). VCF-style: chr22-20799204-C-T. GRCh37 (hg19) VCF-style: chr22-21153492-C-T.
Other names: c.1893G>A, p.Pro631= (NM_001362862.2); c.1827G>A, p.Pro609= (NM_001362863.2).
Identifiers: ClinVar variation 787689 (VCV000787689.23), dbSNP rs149129705, ClinGen allele CA10116307.

ClinVar aggregate classification (germline): Benign/Likely benign. Review status: criteria provided, multiple submitters, no conflicts (2 of 4 stars). 4 submissions from 4 submitters: Benign (2); Likely benign (2). Last evaluated 2025-08-01.

Allele frequency attached by ClinVar (database versions not stated): ESP Exome Variant Server 0.00108; TOPMed 0.00126; ExAC 0.00147; 1000 Genomes Project 0.00180; 1000 Genomes Project 30x 0.00187; gnomAD 0.00080 and 0.00106.
gnomAD v4.1: 1,930 of 1,591,220 alleles (0.12%); highest among the groups gnomAD compares: South Asian, 0.71%; 14 homozygotes.

Submissions (4):

CeGaT Center for Human Genetics Tuebingen
Classification: Likely benign. Last evaluated: 2025-08-01. Review status: criteria provided, single submitter. Criteria: CeGaT Center For Human Genetics Tuebingen Variant Classification Criteria Version 2. Collection method: clinical testing. Allele origin: germline. Affected: yes. Observed: 3 variant alleles.
Comment: PI4KA: BP4, BP7, BS2

Blueprint Genetics
Classification: Likely benign. Last evaluated: 2024-11-11. Review status: criteria provided, single submitter. Criteria: ACMG Guidelines, 2015. Collection method: clinical testing. Allele origin: germline.

Labcorp Genetics (formerly Invitae), Labcorp
Classification: Benign. Last evaluated: 2019-12-31. Review status: criteria provided, single submitter. Criteria: Invitae Variant Classification Sherloc (09022015). Collection method: clinical testing. Allele origin: germline.

Breakthrough Genomics
Classification: Benign. Review status: criteria provided, single submitter. Criteria: ACMG Guidelines, 2015. Collection method: not provided. Allele origin: germline. Inheritance: Autosomal recessive inheritance. Affected: yes.